The following is an entry in ClinVar:

ClinVar aggregate classification (germline): Uncertain significance. Review status: criteria provided, multiple submitters, no conflicts (2 of 4 stars). 4 submissions from 4 submitters: Uncertain significance (4). Last evaluated 2024-10-09.

Conditions:
Intellectual disability, autosomal recessive 53 (NEDHSCA). Also called: GLYCOSYLPHOSPHATIDYLINOSITOL BIOSYNTHESIS DEFECT 13; Mental retardation, autosomal recessive 53; NEURODEVELOPMENTAL DISORDER WITH OR WITHOUT HYPOTONIA, SEIZURES, AND CEREBELLAR ATROPHY. Identifiers: Orphanet 488635, MedGen C4310794, MONDO:0014832, OMIM 616917.

Allele frequency attached by ClinVar (database versions not stated): gnomAD exomes below 0.00001; ExAC 0.00001; gnomAD 0.00001; TOPMed 0.00001.
gnomAD v4.1: 17 of 1,613,746 alleles (0.0011%); highest among the groups gnomAD compares: Admixed American, 0.0017%; no homozygotes.

Submissions (4):

Women's Health and Genetics/Laboratory Corporation of America, LabCorp
Classification: Uncertain significance. Last evaluated: 2024-10-09. Review status: criteria provided, single submitter. Criteria: LabCorp Variant Classification Summary - May 2015. Collection method: clinical testing. Allele origin: germline.
Comment: Variant summary: PIGG c.1016T>G (p.Val339Gly) results in a non-conservative amino acid change in the encoded protein sequence. Three of five in-silico tools predict a benign effect of the variant on protein function. The variant allele was found at a frequency of 4e-06 in 251494 control chromosomes (gnomAD). The available data on variant occurrences in the general population are insufficient to allow any conclusion about variant significance. To our knowledge, no occurrence of c.1016T>G in individuals affected with Intellectual Disability, Autosomal Recessive 53 and no experimental evidence demonstrating its impact on protein function have been reported. ClinVar contains an entry for this variant (Variation ID: 1700737). Based on the evidence outlined above, the variant was classified as uncertain significance.

Labcorp Genetics (formerly Invitae), Labcorp
Classification: Uncertain significance for Intellectual disability, autosomal recessive 53. Last evaluated: 2024-05-29. Review status: criteria provided, single submitter. Criteria: Invitae Variant Classification Sherloc (09022015). Collection method: clinical testing. Allele origin: germline.
Comment: This sequence change replaces valine, which is neutral and non-polar, with glycine, which is neutral and non-polar, at codon 339 of the PIGG protein (p.Val339Gly). This variant is present in population databases (rs753986224, gnomAD 0.0009%). This variant has not been reported in the literature in individuals affected with PIGG-related conditions. ClinVar contains an entry for this variant (Variation ID: 1700737). Advanced modeling of protein sequence and biophysical properties (such as structural, functional, and spatial information, amino acid conservation, physicochemical variation, residue mobility, and thermodynamic stability) performed at Invitae indicates that this missense variant is expected to disrupt PIGG protein function with a positive predictive value of 80%. In summary, the available evidence is currently insufficient to determine the role of this variant in disease. Therefore, it has been classified as a Variant of Uncertain Significance.

Blueprint Genetics
Classification: Uncertain significance. Last evaluated: 2024-01-12. Review status: criteria provided, single submitter. Criteria: ACMG Guidelines, 2015. Collection method: clinical testing. Allele origin: germline.

GeneDx
Classification: Uncertain significance. Last evaluated: 2022-02-10. Review status: criteria provided, single submitter. Criteria: GeneDx Variant Classification Process June 2021. Collection method: clinical testing. Allele origin: germline. Affected: yes.
Comment: Not observed at significant frequency in large population cohorts (gnomAD); In silico analysis supports that this missense variant has a deleterious effect on protein structure/function; Has not been previously published as pathogenic or benign to our knowledge

NM_001127178.3(PIGG):c.1016T>G (p.Val339Gly)

Gene: PIGG (phosphatidylinositol glycan anchor biosynthesis class G (EMM blood group); plus strand). Cytogenetic location: 4p16.3.
Variant type: single nucleotide variant.
Coding change: c.1016T>G on transcript NM_001127178.3 (MANE Select); coding-DNA position 1016, T replaced by G.
Protein change: p.Val339Gly; replaces valine 339 with glycine.
Molecular consequence: missense variant. On other transcripts: 5 prime UTR variant (4), non-coding transcript variant (10).
Genome position (GRCh38, 1-based): chr4:516,087, T>G. VCF-style: chr4-516087-T-G. GRCh37 (hg19) VCF-style: chr4-509876-T-G.
Other names: c.749T>G, p.Val250Gly (NM_001289051.2, NM_001289053.2, NM_001289057.2 and 2 more transcripts); c.617T>G, p.Val206Gly (NM_001289052.2); c.650T>G, p.Val217Gly (NM_001289055.2); c.-14T>G (NM_001345988.2); c.1016T>G, p.Val339Gly (NM_001345989.2, NM_017733.5); c.-610T>G (NM_001345990.2); c.-472T>G (NM_001345991.2); c.-197T>G (NM_001345994.2); short protein forms V206G, V217G, V250G, V339G.
Identifiers: ClinVar variation 1700737 (VCV001700737.6), dbSNP rs753986224, ClinGen allele CA2793179.